The following is an entry in ClinVar:

NM_001160372.4(TRAPPC9):c.1622+3G>A

Gene: TRAPPC9 (trafficking protein particle complex subunit 9; minus strand). Cytogenetic location: 8q24.3.
Variant type: single nucleotide variant.
Coding change: c.1622+3G>A on transcript NM_001160372.4 (MANE Select); 3 bases into the intron after coding-DNA position 1622, G replaced by A.
Molecular consequence: intron variant.
Genome position (GRCh38, 1-based): chr8:140,311,245, C>T on the plus strand (G>A on the coding strand, the complement: TRAPPC9 is on the minus strand). VCF-style: chr8-140311245-C-T. GRCh37 (hg19) VCF-style: chr8-141321344-C-T.
Other names: c.1622+3G>A (NM_031466.8, NM_001374683.1); c.1595+3G>A (NM_001321646.2); c.1478+3G>A (NM_001374684.1); c.1643+3G>A (NM_001374682.1).
Identifiers: ClinVar variation 2117092 (VCV002117092.4), dbSNP rs2539707093, ClinGen allele CA2580078611.
Genomic context (GRCh38, chr8:140,311,245, plus strand): 5'-TCAGACTAGAGGACGGTGTCCCAGAGGGCAGCTGCCTTTCCGGCTCTGCAGTGCCCATCT[C>T]ACCTGACGATGGGAAGCTTGGTGAAGGGCACCGGTGGCAGGGTGAGGCCGCCAGGGAGGG-3'

ClinVar aggregate classification (germline): Uncertain significance (1 of 4 stars; one submission).

Allele frequency attached by ClinVar (database versions not stated): gnomAD exomes below 0.00001.
gnomAD v4.1: 1 of 1,610,348 alleles (0.000062%); highest among the groups gnomAD compares: Non-Finnish European, 0.000085%; no homozygotes.

Submission:

Labcorp Genetics (formerly Invitae), Labcorp
Classification: Uncertain significance. Last evaluated: 2022-08-02. Review status: criteria provided, single submitter. Criteria: Invitae Variant Classification Sherloc (09022015). Collection method: clinical testing. Allele origin: germline.
Comment: This variant has not been reported in the literature in individuals affected with TRAPPC9-related conditions. In summary, the available evidence is currently insufficient to determine the role of this variant in disease. Therefore, it has been classified as a Variant of Uncertain Significance. Variants that disrupt the consensus splice site are a relatively common cause of aberrant splicing (PMID: 17576681, 9536098). Algorithms developed to predict the effect of sequence changes on RNA splicing suggest that this variant is not likely to affect RNA splicing. This variant is not present in population databases (gnomAD no frequency). This sequence change falls in intron 10 of the TRAPPC9 gene. It does not directly change the encoded amino acid sequence of the TRAPPC9 protein. It affects a nucleotide within the consensus splice site.

Literature cited by the submitters: PubMed 17576681; PubMed 9536098.